The following is an entry in ClinVar:

ClinVar aggregate classification (germline): Uncertain significance (1 of 4 stars; one submission).

Conditions:
Dyskeratosis congenita, autosomal dominant 2. Identifiers: MedGen C3151443, MONDO:0013521, OMIM 613989.
Idiopathic Pulmonary Fibrosis. Also called: Idiopathic fibrosing alveolitis, chronic form; idiopathic fibrosing alveolitis. Identifiers: Orphanet 2032, MedGen C1800706, MeSH D054990, MONDO:0800504.

Submission:

Labcorp Genetics (formerly Invitae), Labcorp
Classification: Uncertain significance for Dyskeratosis congenita, autosomal dominant 2; Idiopathic Pulmonary Fibrosis. Last evaluated: 2024-03-07. Review status: criteria provided, single submitter. Criteria: Invitae Variant Classification Sherloc (09022015). Collection method: clinical testing. Allele origin: germline.
Comment: This sequence change replaces histidine, which is basic and polar, with proline, which is neutral and non-polar, at codon 546 of the TERT protein (p.His546Pro). This variant is not present in population databases (gnomAD no frequency). This variant has not been reported in the literature in individuals affected with TERT-related conditions. Advanced modeling of protein sequence and biophysical properties (such as structural, functional, and spatial information, amino acid conservation, physicochemical variation, residue mobility, and thermodynamic stability) has been performed at Invitae for this missense variant, however the output from this modeling did not meet the statistical confidence thresholds required to predict the impact of this variant on TERT protein function. In summary, the available evidence is currently insufficient to determine the role of this variant in disease. Therefore, it has been classified as a Variant of Uncertain Significance.

NM_198253.3(TERT):c.1637A>C (p.His546Pro)

Gene: TERT (telomerase reverse transcriptase; minus strand). Cytogenetic location: 5p15.33.
Variant type: single nucleotide variant.
Coding change: c.1637A>C on transcript NM_198253.3 (MANE Select); coding-DNA position 1637, A replaced by C.
Protein change: p.His546Pro; replaces histidine 546 with proline.
Molecular consequence: missense variant. On other transcripts: non-coding transcript variant (2).
Genome position (GRCh38, 1-based): chr5:1,282,561, T>G on the plus strand (A>C on the coding strand, the complement: TERT is on the minus strand). VCF-style: chr5-1282561-T-G. GRCh37 (hg19) VCF-style: chr5-1282676-T-G.
Other names: c.1637A>C, p.His546Pro (NM_001193376.3); short protein forms H546P.
Identifiers: ClinVar variation 3755165 (VCV003755165.2).